The following is an entry in ClinVar:

NM_006914.4(RORB):c.1020T>A (p.Asn340Lys)

Gene: RORB (RAR related orphan receptor B; plus strand). Cytogenetic location: 9q21.13.
Variant type: single nucleotide variant.
Coding change: c.1020T>A on transcript NM_006914.4 (MANE Select); coding-DNA position 1020, T replaced by A.
Protein change: p.Asn340Lys; replaces asparagine 340 with lysine.
Molecular consequence: missense variant.
Genome position (GRCh38, 1-based): chr9:74,667,810, T>A. VCF-style: chr9-74667810-T-A. GRCh37 (hg19) VCF-style: chr9-77282726-T-A.
Other names: c.1053T>A, p.Asn351Lys (NM_001365023.1); short protein forms N351K, N340K.
Identifiers: ClinVar variation 4733085 (VCV004733085.1).

ClinVar aggregate classification (germline): Uncertain significance (1 of 4 stars; one submission).

Submission:

Labcorp Genetics (formerly Invitae), Labcorp
Classification: Uncertain significance. Last evaluated: 2025-12-13. Review status: criteria provided, single submitter. Criteria: Invitae Variant Classification Sherloc (09022015). Collection method: clinical testing. Allele origin: germline.
Comment: This sequence change replaces asparagine, which is neutral and polar, with lysine, which is basic and polar, at codon 340 of the RORB protein (p.Asn340Lys). This variant is not present in population databases (gnomAD no frequency). This variant has not been reported in the literature in individuals affected with RORB-related conditions. An algorithm developed to predict the effect of missense changes on protein structure and function (PolyPhen-2) suggests that this variant is likely to be tolerated. In summary, the available evidence is currently insufficient to determine the role of this variant in disease. Therefore, it has been classified as a Variant of Uncertain Significance.